The following is an entry in ClinVar:

NM_005255.4(GAK):c.3794A>G (p.Lys1265Arg)

Gene: GAK (cyclin G associated kinase; minus strand). Cytogenetic location: 4p16.3.
Variant type: single nucleotide variant.
Coding change: c.3794A>G on transcript NM_005255.4 (MANE Select); coding-DNA position 3794, A replaced by G.
Protein change: p.Lys1265Arg; replaces lysine 1265 with arginine.
Molecular consequence: missense variant.
Genome position (GRCh38, 1-based): chr4:849,932, T>C on the plus strand (A>G on the coding strand, the complement: GAK is on the minus strand). VCF-style: chr4-849932-T-C. GRCh37 (hg19) VCF-style: chr4-843720-T-C.
Other names: c.3557A>G, p.Lys1186Arg (NM_001318134.2); short protein forms K1186R, K1265R.
Identifiers: ClinVar variation 1265262 (VCV001265262.3), dbSNP rs2306242, ClinGen allele CA2797223.

ClinVar aggregate classification (germline): Benign. Review status: criteria provided, multiple submitters, no conflicts (2 of 4 stars). 2 submissions from 2 submitters: Benign (2). Last evaluated 2021-02-24.

Allele frequency attached by ClinVar (database versions not stated): ESP Exome Variant Server 0.02846; gnomAD 0.03388 and 0.03498; TOPMed 0.03427; 1000 Genomes Project 30x 0.03498; 1000 Genomes Project 0.03534; gnomAD exomes 0.04305; ExAC 0.04623.
gnomAD v4.1: 65,346 of 1,603,568 alleles (4.1%); highest among the groups gnomAD compares: East Asian, 13%; 1,694 homozygotes.

Submissions (2):

GeneDx
Classification: Benign. Last evaluated: 2021-02-24. Review status: criteria provided, single submitter. Criteria: GeneDx Variant Classification Process June 2021. Collection method: clinical testing. Allele origin: germline. Affected: yes.
Comment: This variant is associated with the following publications: (PMID: 26676575)

Breakthrough Genomics
Classification: Benign. Review status: criteria provided, single submitter. Criteria: ACMG Guidelines, 2015. Collection method: not provided. Allele origin: germline. Inheritance: Unknown mechanism. Affected: yes.